The following is an entry in ClinVar:

ClinVar aggregate classification (germline): Uncertain significance (1 of 4 stars; one submission).

Conditions:
FG syndrome (FGS). Identifiers: MedGen C0220769, MONDO:0002010.

Submission:

Labcorp Genetics (formerly Invitae), Labcorp
Classification: Uncertain significance for FG syndrome. Last evaluated: 2022-03-25. Review status: criteria provided, single submitter. Criteria: Invitae Variant Classification Sherloc (09022015). Collection method: clinical testing. Allele origin: germline.
Comment: This sequence change replaces glutamine, which is neutral and polar, with histidine, which is basic and polar, at codon 2120 of the MED12 protein (p.Gln2120His). In summary, the available evidence is currently insufficient to determine the role of this variant in disease. Therefore, it has been classified as a Variant of Uncertain Significance. Advanced modeling of protein sequence and biophysical properties (such as structural, functional, and spatial information, amino acid conservation, physicochemical variation, residue mobility, and thermodynamic stability) performed at Invitae indicates that this missense variant is not expected to disrupt MED12 protein function. This variant has not been reported in the literature in individuals affected with MED12-related conditions. The frequency data for this variant in the population databases is considered unreliable, as metrics indicate poor data quality at this position in the gnomAD database.

NM_005120.3(MED12):c.6360G>C (p.Gln2120His)

Gene: MED12 (mediator complex subunit 12; plus strand). Cytogenetic location: Xq13.1.
Variant type: single nucleotide variant.
Coding change: c.6360G>C on transcript NM_005120.3 (MANE Select); coding-DNA position 6360, G replaced by C.
Protein change: p.Gln2120His; replaces glutamine 2120 with histidine.
Molecular consequence: missense variant.
Genome position (GRCh38, 1-based): chrX:71,141,322, G>C. VCF-style: chrX-71141322-G-C. GRCh37 (hg19) VCF-style: chrX-70361172-G-C.
Other names: short protein forms Q2120H.
Identifiers: ClinVar variation 2116686 (VCV002116686.4), dbSNP rs779631682, ClinGen allele CA10444920.